The following is an entry in ClinVar:

NM_000744.7(CHRNA4):c.1758+14_1758+15delinsGC

Gene: CHRNA4 (cholinergic receptor nicotinic alpha 4 subunit; minus strand). Cytogenetic location: 20q13.33.
Variant type: Indel.
Coding change: c.1758+14_1758+15delinsGC on transcript NM_000744.7 (MANE Select); bases 14 to 15 of the intron after coding-DNA position 1758, AT replaced by GC.
Molecular consequence: intron variant.
Genome position (GRCh38, 1-based): chr20:63,349,638-63,349,639, AT replaced by GC on the plus strand (AT replaced by GC on the coding strand, the reverse complement: CHRNA4 is on the minus strand). VCF-style: chr20-63349638-AT-GC. GRCh37 (hg19) VCF-style: chr20-61980990-AT-GC.
Other names: c.1230+14_1230+15delinsGC (NM_001256573.2).
Identifiers: ClinVar variation 4746599 (VCV004746599.1).

ClinVar aggregate classification (germline): Uncertain significance (1 of 4 stars; one submission).

Conditions:
Familial sleep-related hypermotor epilepsy. Also called: Autosomal Dominant Sleep-Related Hypermotor (Hyperkinetic) Epilepsy. Identifiers: Orphanet 98784, MedGen C3696898, MONDO:0000030.

Submission:

Labcorp Genetics (formerly Invitae), Labcorp
Classification: Uncertain significance. Last evaluated: 2025-09-27. Review status: criteria provided, single submitter. Criteria: Invitae Variant Classification Sherloc (09022015). Collection method: clinical testing. Allele origin: germline.
Comment: This sequence change falls in intron 5 of the CHRNA4 gene. It does not directly change the encoded amino acid sequence of the CHRNA4 protein. Information on the frequency of this variant in the gnomAD database is not available, as this variant may be reported differently in the database. This variant has not been reported in the literature in individuals affected with CHRNA4-related conditions. Experimental studies and prediction algorithms are not available or were not evaluated, and the effect of this variant on mRNA splicing is currently unknown. In summary, the available evidence is currently insufficient to determine the role of this variant in disease. Therefore, it has been classified as a Variant of Uncertain Significance.